The following is an entry in ClinVar:

ClinVar aggregate classification (germline): Pathogenic/Likely pathogenic. Review status: criteria provided, multiple submitters, no conflicts (2 of 4 stars). 2 submissions from 2 submitters: Pathogenic (1); Likely pathogenic (1). Last evaluated 2026-03-21.

Conditions:
Intellectual disability-facial dysmorphism syndrome due to SETD5 haploinsufficiency (MRD23). Also called: Intellectual developmental disorder, autosomal dominant 23. Identifiers: Orphanet 404440, MedGen C3810406, MONDO:0014336, OMIM 615761.

Submissions (2):

3billion
Classification: Pathogenic for Intellectual disability-facial dysmorphism syndrome due to SETD5 haploinsufficiency. Last evaluated: 2026-03-21. Review status: criteria provided, single submitter. Criteria: ACMG Guidelines, 2015. Collection method: clinical testing. Allele origin: de novo. Inheritance: Autosomal dominant inheritance. Affected: yes.
Comment: The variant is not observed in the gnomAD v3.1.2 dataset. The variant is predicted to result in a loss or disruption of normal protein function through nonsense-mediated decay (NMD) or protein truncation. Multiple pathogenic variants are reported downstream of the variant. The variant has been confirmed to be de novo in maternity and paternity confirmed samples. Therefore, the variant was classified as pathogenic.

Equipe Genetique des Anomalies du Developpement, Université de Bourgogne
Classification: Likely pathogenic for Intellectual disability-facial dysmorphism syndrome due to SETD5 haploinsufficiency. Last evaluated: 2016-01-01. Review status: criteria provided, single submitter. Criteria: ACMG Guidelines, 2015. Collection method: clinical testing. Allele origin: de novo. Affected: yes.

NM_001080517.3(SETD5):c.1709_1710del (p.Ser570fs)

Gene: SETD5 (SET domain containing 5; plus strand). Cytogenetic location: 3p25.3.
Variant type: Microsatellite.
Coding change: c.1709_1710del on transcript NM_001080517.3 (MANE Select); coding-DNA positions 1709 to 1710, 2 bases deleted (CT; older notation c.1709_1710delCT).
Protein change: p.Ser570fs; shifts the reading frame from serine 570.
Molecular consequence: frameshift variant.
Genome position (GRCh38, 1-based): chr3:9,447,234-9,447,235, CT deleted; deleting any 2 consecutive bases within chr3:9,447,232-9,447,235 gives the same sequence; the c. name uses the placement nearest the transcript's 3' end. VCF-style (leftmost placement, unchanged base first): chr3-9447231-ACT-A. GRCh37 (hg19) VCF-style: chr3-9488915-ACT-A.
Other names: c.1415_1416del, p.Ser472fs (NM_001292043.2, NM_001349451.2); short protein forms S472fs, S570fs.
Identifiers: ClinVar variation 666306 (VCV000666306.1), dbSNP rs1575467723, ClinGen allele CA915941815.
Genomic context (GRCh38, chr3:9,447,231, plus strand): 5'-CCTCAGAGACTCCTGTTGGTGAAGAGACAAAAACTGAAGCCCCTGAATCTGAAGTTAGCA[ACT>A]CTGTTTCAAATGTTACCATCCCAAGCACCCCACAGAGTGTTGGTGTGAATACCCGGAGGT-3'